The following is an entry in ClinVar:

ClinVar aggregate classification (germline): Uncertain significance. Review status: criteria provided, multiple submitters, no conflicts (2 of 4 stars). 2 submissions from 2 submitters: Uncertain significance (2). Last evaluated 2024-02-05.

Conditions:
Hereditary cancer-predisposing syndrome. Also called: Neoplastic Syndromes, Hereditary; Hereditary Cancer Syndrome; Tumor predisposition; Hereditary neoplastic syndrome. Identifiers: Orphanet 140162, MedGen C0027672, MeSH D009386, MONDO:0015356.
Oligodontia-cancer predisposition syndrome. Also called: TOOTH AGENESIS-COLORECTAL CANCER SYNDROME. Identifiers: Orphanet 300576, MedGen C1837750, MONDO:0012075, OMIM 608615. Disease mechanism: loss of function.

Allele frequency attached by ClinVar (database versions not stated): gnomAD exomes below 0.00001; TOPMed below 0.00001.

Submissions (2):

Ambry Genetics
Classification: Uncertain significance for Hereditary cancer-predisposing syndrome. Last evaluated: 2024-02-05. Review status: criteria provided, single submitter. Criteria: Ambry Variant Classification Scheme 2023. Collection method: clinical testing. Allele origin: germline.
Comment: The c.1712+4A>G intronic variant results from an A to G substitution 4 nucleotides after coding exon 5 in the AXIN2 gene. This nucleotide position is highly conserved in available vertebrate species. In silico splice site analysis predicts that this alteration will not have any significant effect on splicing. Based on the available evidence, the clinical significance of this alteration remains unclear.

Labcorp Genetics (formerly Invitae), Labcorp
Classification: Uncertain significance for Oligodontia-cancer predisposition syndrome. Last evaluated: 2022-11-01. Review status: criteria provided, single submitter. Criteria: Invitae Variant Classification Sherloc (09022015). Collection method: clinical testing. Allele origin: germline.
Comment: Variants that disrupt the consensus splice site are a relatively common cause of aberrant splicing (PMID: 17576681, 9536098). Algorithms developed to predict the effect of sequence changes on RNA splicing suggest that this variant is not likely to affect RNA splicing. ClinVar contains an entry for this variant (Variation ID: 581657). This variant has not been reported in the literature in individuals affected with AXIN2-related conditions. This variant is present in population databases (no rsID available, gnomAD 0.007%). This sequence change falls in intron 6 of the AXIN2 gene. It does not directly change the encoded amino acid sequence of the AXIN2 protein. It affects a nucleotide within the consensus splice site. In summary, the available evidence is currently insufficient to determine the role of this variant in disease. Therefore, it has been classified as a Variant of Uncertain Significance.

Literature cited by the submitters: PubMed 17576681 (cited by Labcorp Genetics (formerly Invitae), Labcorp); PubMed 9536098 (cited by Labcorp Genetics (formerly Invitae), Labcorp).

NM_004655.4(AXIN2):c.1712+4A>G

Gene: AXIN2 (axin 2; minus strand). Cytogenetic location: 17q24.1.
Variant type: single nucleotide variant.
Coding change: c.1712+4A>G on transcript NM_004655.4 (MANE Select); 4 bases into the intron after coding-DNA position 1712, A replaced by G.
Molecular consequence: intron variant.
Genome position (GRCh38, 1-based): chr17:65,537,320, T>C on the plus strand (A>G on the coding strand, the complement: AXIN2 is on the minus strand). VCF-style: chr17-65537320-T-C. GRCh37 (hg19) VCF-style: chr17-63533438-T-C.
Other names: c.1712+4A>G (LRG_296t1, NM_001363813.1).
Identifiers: ClinVar variation 581657 (VCV000581657.7), dbSNP rs1404820378, ClinGen allele CA627152081.
Genomic context (GRCh38, chr17:65,537,320, plus strand): 5'-CTGCCCATGGACCTGGCTGGGAGACAAGCCCCACACGGGACACTGCGGTCCGCCCGGCAC[T>C]TACCCAAACTGCTCGCTGGGCATGGTTTCCGGAGCCTTGGAGTGGCTTTTGCATTTCGAG-3'